The following is an entry in ClinVar:

NM_015910.7(WDPCP):c.2112A>G (p.Lys704=)

Gene: WDPCP (WD repeat containing planar cell polarity effector; minus strand). Cytogenetic location: 2p15.
Variant type: single nucleotide variant.
Coding change: c.2112A>G on transcript NM_015910.7 (MANE Select); coding-DNA position 2112, A replaced by G.
Protein change: p.Lys704=; no amino-acid change (lysine 704 retained).
Molecular consequence: synonymous variant. On other transcripts: non-coding transcript variant (3).
Genome position (GRCh38, 1-based): chr2:63,153,541, T>C on the plus strand (A>G on the coding strand, the complement: WDPCP is on the minus strand). VCF-style: chr2-63153541-T-C. GRCh37 (hg19) VCF-style: chr2-63380676-T-C.
Other names: c.1635A>G, p.Lys545= (NM_001042692.3); c.2040A>G, p.Lys680= (NM_001354044.2).
Identifiers: ClinVar variation 5001998 (VCV005001998.1).

ClinVar aggregate classification (germline): Likely benign (1 of 4 stars; one submission).

Conditions:
WDPCP-related disorder. Also called: WDPCP-related condition.

Submission:

PreventionGenetics, part of Exact Sciences
Classification: Likely benign for WDPCP-related condition. Last evaluated: 2025-05-23. Review status: criteria provided, single submitter. Criteria: ACMG Guidelines, 2015. Collection method: clinical testing. Allele origin: germline.
Comment: This variant is classified as likely benign based on ACMG/AMP sequence variant interpretation guidelines (Richards et al. 2015 PMID: 25741868, with internal and published modifications).